The following is an entry in ClinVar:

ClinVar aggregate classification (germline): Likely pathogenic (1 of 4 stars; one submission).

Conditions:
alpha Thalassemia. Also called: Alpha thalassemia spectrum. Identifiers: Orphanet 846, MedGen C0002312, MONDO:0011399, OMIM 604131.

Submission:

Natera, Inc.
Classification: Likely pathogenic for Alpha thalassemia. Last evaluated: 2024-10-15. Review status: criteria provided, single submitter. Criteria: Natera Variant Classification Schema (03/2026). Collection method: clinical testing. Allele origin: germline.
Comment: The c.96G>T variant in HBA2 is a missense variant predicted to cause substitution of arginine to serine at amino acid 32. This variant is rare in the general population with a frequency below the threshold expected for the associated phenotype(s). Functional studies show that this variant may disrupt protein function (PMID: 486536, 1517104, 19349619). A different variant at the same position has been determined to be Pathogenic or Likely Pathogenic. Computational prediction algorithms indicate this variant is likely to affect gene or protein function. Given the available evidence, this variant is classified as Likely Pathogenic.

Literature cited by the submitters: PubMed 486536; PubMed 1517104; PubMed 19349619.

NM_000517.6(HBA2):c.96G>T (p.Arg32Ser)

Genes: HBA2 (hemoglobin subunit alpha 2; plus strand), LOC106804612 (hemoglobin subunit alpha 2 recombination region; plus strand). Cytogenetic location: 16p13.3.
Variant type: single nucleotide variant.
Coding change: c.96G>T on transcript NM_000517.6 (MANE Select); coding-DNA position 96, G replaced by T.
Protein change: p.Arg32Ser; replaces arginine 32 with serine.
Molecular consequence: missense variant.
Genome position (GRCh38, 1-based): chr16:173,125, G>T. VCF-style: chr16-173125-G-T. GRCh37 (hg19) VCF-style: chr16-223124-G-T.
Other names: short protein forms R32S.
Identifiers: ClinVar variation 4818698 (VCV004818698.1).